The following is an entry in ClinVar:

ClinVar aggregate classification (germline): Pathogenic (1 of 4 stars; one submission).

Conditions:
Familial hemophagocytic lymphohistiocytosis 3 (FHL3). Also called: UNC13D-Related Familial Hemophagocytic Lymphohistiocytosis (UNC13D-fHLH). Identifiers: Orphanet 540, MedGen C1837174, MONDO:0012146, OMIM 608898.

Submission:

Labcorp Genetics (formerly Invitae), Labcorp
Classification: Pathogenic for Familial hemophagocytic lymphohistiocytosis 3. Last evaluated: 2023-04-01. Review status: criteria provided, single submitter. Criteria: Invitae Variant Classification Sherloc (09022015). Collection method: clinical testing. Allele origin: germline.
Comment: For these reasons, this variant has been classified as Pathogenic. This variant has not been reported in the literature in individuals affected with UNC13D-related conditions. This variant is not present in population databases (gnomAD no frequency). This sequence change creates a premature translational stop signal (p.Glu1015Lysfs*14) in the UNC13D gene. It is expected to result in an absent or disrupted protein product. Loss-of-function variants in UNC13D are known to be pathogenic (PMID: 14622600).

Literature cited by the submitters: PubMed 14622600.

NM_199242.3(UNC13D):c.3043del (p.Glu1015fs)

Gene: UNC13D (unc-13 homolog D; minus strand). Cytogenetic location: 17q25.1.
Variant type: Deletion.
Coding change: c.3043del on transcript NM_199242.3 (MANE Select); coding-DNA position 3043, one base deleted (G; older notation c.3043delG).
Protein change: p.Glu1015fs; shifts the reading frame from glutamic acid 1015.
Molecular consequence: frameshift variant.
Genome position (GRCh38, 1-based): chr17:75,828,895, C deleted on the plus strand (G on the coding strand, the reverse complement: UNC13D is on the minus strand); the first of 2 consecutive C bases (chr17:75,828,895-75,828,896); deleting either gives the same sequence. VCF-style (leftmost placement, unchanged base first): chr17-75828894-TC-T. GRCh37 (hg19) VCF-style: chr17-73824975-TC-T.
Other names: short protein forms E1015fs.
Identifiers: ClinVar variation 2851511 (VCV002851511.3), dbSNP rs2545975170, ClinGen allele CA2739268404.